The following is an entry in ClinVar:

ClinVar aggregate classification (germline): Uncertain significance (1 of 4 stars; one submission).

Conditions:
Charcot-Marie-Tooth disease axonal type 2O. Also called: CHARCOT-MARIE-TOOTH NEUROPATHY, AXONAL, TYPE 2O; CHARCOT-MARIE-TOOTH DISEASE, AXONAL, AUTOSOMAL DOMINANT, TYPE 2O; Charcot-Marie-Tooth Neuropathy Type 2O; Charcot-Marie-Tooth disease, axonal, type 20. Identifiers: Orphanet 284232, MedGen C3280220, MONDO:0013644, OMIM 614228.

gnomAD v4.1: 1 of 1,614,236 alleles (0.000062%); highest among the groups gnomAD compares: African/African-American, 0.0013%; no homozygotes.

Submission:

Labcorp Genetics (formerly Invitae), Labcorp
Classification: Uncertain significance for Charcot-Marie-Tooth disease axonal type 2O. Last evaluated: 2023-09-19. Review status: criteria provided, single submitter. Criteria: Invitae Variant Classification Sherloc (09022015). Collection method: clinical testing. Allele origin: germline.
Comment: In summary, the available evidence is currently insufficient to determine the role of this variant in disease. Therefore, it has been classified as a Variant of Uncertain Significance. Advanced modeling of protein sequence and biophysical properties (such as structural, functional, and spatial information, amino acid conservation, physicochemical variation, residue mobility, and thermodynamic stability) performed at Invitae indicates that this missense variant is not expected to disrupt DYNC1H1 protein function. This variant has not been reported in the literature in individuals affected with DYNC1H1-related conditions. This variant is not present in population databases (gnomAD no frequency). This sequence change replaces isoleucine, which is neutral and non-polar, with valine, which is neutral and non-polar, at codon 2850 of the DYNC1H1 protein (p.Ile2850Val).

NM_001376.5(DYNC1H1):c.8548A>G (p.Ile2850Val)

Gene: DYNC1H1 (dynein cytoplasmic 1 heavy chain 1; plus strand). Cytogenetic location: 14q32.31.
Variant type: single nucleotide variant.
Coding change: c.8548A>G on transcript NM_001376.5 (MANE Select); coding-DNA position 8548, A replaced by G.
Protein change: p.Ile2850Val; replaces isoleucine 2850 with valine.
Molecular consequence: missense variant.
Genome position (GRCh38, 1-based): chr14:102,022,791, A>G. VCF-style: chr14-102022791-A-G. GRCh37 (hg19) VCF-style: chr14-102489128-A-G.
Other names: short protein forms I2850V.
Identifiers: ClinVar variation 2849435 (VCV002849435.3), dbSNP rs2503789521, ClinGen allele CA391007083.
Genomic context (GRCh38, chr14:102,022,791, plus strand): 5'-ACATGCTGCTCTCCCCACAGACTCGTAGAGGATGAGGAGAGGCGTTGGACTGATGAGAAC[A>G]TCGACACGGTTGCTCTGAAGCACTTCCCTAACATCGACAGAGAGAAGGCAATGAGCCGAC-3'
Protein context (NP_001367.2, residues 2840-2860): DEERRWTDEN[Ile2850Val]DTVALKHFPN